The following is an entry in ClinVar:

ClinVar aggregate classification (germline): Uncertain significance. Review status: criteria provided, multiple submitters, no conflicts (2 of 4 stars). 3 submissions from 3 submitters: Uncertain significance (2). 1 of the submissions does not count toward it. Last evaluated 2026-02-02.

Conditions:
DCTN1-related disorder. Also called: DCTN1-related condition.
Inborn genetic diseases. Identifiers: MedGen C0950123, MeSH D030342.
Amyotrophic lateral sclerosis type 1 (ALS1). Also called: AMYOTROPHIC LATERAL SCLEROSIS 1, FAMILIAL. Identifiers: Orphanet 803, MedGen C1862939, MONDO:0007103, OMIM 105400.
Neuronopathy, distal hereditary motor, type 7B. Also called: NEURONOPATHY, DISTAL HEREDITARY MOTOR, AUTOSOMAL DOMINANT 14; NEURONOPATHY, DISTAL HEREDITARY MOTOR, HARDING TYPE VIIB; NEUROPATHY, DISTAL HEREDITARY MOTOR, HARDING TYPE VIIB; NEUROPATHY, DISTAL HEREDITARY MOTOR, WITH VOCAL CORD PARALYSIS, HARDING TYPE VIIB; Distal Hereditary Motor Neuronopathy Type 7B (dHMN7B); HMN VIIB. Identifiers: Orphanet 139589, MedGen C1843315, MONDO:0011879, OMIM 607641.
Perry syndrome. Also called: PARKINSONISM WITH ALVEOLAR HYPOVENTILATION AND MENTAL DEPRESSION. Identifiers: Orphanet 178509, MedGen C1868594, MONDO:0008201, OMIM 168605.

Allele frequency attached by ClinVar (database versions not stated): gnomAD exomes below 0.00001; gnomAD 0.00001; TOPMed 0.00001.
gnomAD v4.1: 8 of 1,614,164 alleles (0.0005%); highest among the groups gnomAD compares: Non-Finnish European, 0.00068%; no homozygotes.

Submissions (3):

Labcorp Genetics (formerly Invitae), Labcorp
Classification: Uncertain significance for Amyotrophic lateral sclerosis type 1; Neuronopathy, distal hereditary motor, type 7B; Perry syndrome. Last evaluated: 2026-02-02. Review status: criteria provided, single submitter. Criteria: Invitae Variant Classification Sherloc (09022015). Collection method: clinical testing. Allele origin: germline.
Comment: This sequence change replaces aspartic acid, which is acidic and polar, with histidine, which is basic and polar, at codon 594 of the DCTN1 protein (p.Asp594His). This variant is present in population databases (no rsID available, gnomAD 0.0009%). This variant has not been reported in the literature in individuals affected with DCTN1-related conditions. ClinVar contains an entry for this variant (Variation ID: 648184). Invitae Evidence Modeling of protein sequence and biophysical properties (such as structural, functional, and spatial information, amino acid conservation, physicochemical variation, residue mobility, and thermodynamic stability) indicates that this missense variant is not expected to disrupt DCTN1 protein function with a negative predictive value of 95%. In summary, the available evidence is currently insufficient to determine the role of this variant in disease. Therefore, it has been classified as a Variant of Uncertain Significance.

Ambry Genetics
Classification: Uncertain significance for Inborn genetic diseases. Last evaluated: 2021-03-17. Review status: criteria provided, single submitter. Criteria: Ambry Variant Classification Scheme 2023. Collection method: clinical testing. Allele origin: germline.
Comment: The p.D594H variant (also known as c.1780G>C), located in coding exon 16 of the DCTN1 gene, results from a G to C substitution at nucleotide position 1780. The aspartic acid at codon 594 is replaced by histidine, an amino acid with similar properties. This amino acid position is well conserved in available vertebrate species. In addition, the in silico prediction for this alteration is inconclusive. Since supporting evidence is limited at this time, the clinical significance of this alteration remains unclear.

PreventionGenetics, part of Exact Sciences
Classification: Uncertain significance for DCTN1-related condition. Last evaluated: 2024-03-05. Review status: no assertion criteria provided. Collection method: clinical testing. Allele origin: germline. Not counted in ClinVar's aggregate classification.
Comment: The DCTN1 c.1780G>C variant is predicted to result in the amino acid substitution p.Asp594His. To our knowledge, this variant has not been reported in the literature. This variant is reported in 0.00088% of alleles in individuals of European (Non-Finnish) descent in gnomAD. At this time, the clinical significance of this variant is uncertain due to the absence of conclusive functional and genetic evidence.

NM_004082.5(DCTN1):c.1780G>C (p.Asp594His)

Gene: DCTN1 (dynactin subunit 1; minus strand). Cytogenetic location: 2p13.1.
Variant type: single nucleotide variant.
Coding change: c.1780G>C on transcript NM_004082.5 (MANE Select); coding-DNA position 1780, G replaced by C.
Protein change: p.Asp594His; replaces aspartic acid 594 with histidine.
Molecular consequence: missense variant. On other transcripts: non-coding transcript variant (1).
Genome position (GRCh38, 1-based): chr2:74,368,802, C>G on the plus strand (G>C on the coding strand, the complement: DCTN1 is on the minus strand). VCF-style: chr2-74368802-C-G. GRCh37 (hg19) VCF-style: chr2-74595929-C-G.
Other names: c.1720G>C, p.Asp574His (NM_001135040.3); c.1378G>C, p.Asp460His (NM_001135041.3, NM_023019.4); c.1669G>C, p.Asp557His (NM_001190836.2); c.1759G>C, p.Asp587His (NM_001190837.2); c.1729G>C, p.Asp577His (NM_001378991.1); c.1711G>C, p.Asp571His (NM_001378992.1); short protein forms D574H, D587H, D460H, D557H, D594H, D571H, D577H.
Identifiers: ClinVar variation 648184 (VCV000648184.14), dbSNP rs1200525088, ClinGen allele CA347355434.
Genomic context (GRCh38, chr2:74,368,802, plus strand): 5'-GAGGCATGAGCAACAGCACCAGAACGCAGTCATGGTCCCCACCTGGCCGAAGGAAGCTGT[C>G]AGGCATGAAGGCTGTCAGCAGGGACATGTGTCGATTGGCCTGGGCCACCTCCATCTGCCT-3'
Protein context (NP_004073.2, residues 584-604): HMSLLTAFMP[Asp594His]SFLRPGGDHD